The following is an entry in ClinVar:

NM_176824.3(BBS7):c.1289G>A (p.Ser430Asn)

Gene: BBS7 (Bardet-Biedl syndrome 7; minus strand). Cytogenetic location: 4q27.
Variant type: single nucleotide variant.
Coding change: c.1289G>A on transcript NM_176824.3 (MANE Select); coding-DNA position 1289, G replaced by A.
Protein change: p.Ser430Asn; replaces serine 430 with asparagine.
Molecular consequence: missense variant.
Genome position (GRCh38, 1-based): chr4:121,843,943, C>T on the plus strand (G>A on the coding strand, the complement: BBS7 is on the minus strand). VCF-style: chr4-121843943-C-T. GRCh37 (hg19) VCF-style: chr4-122765098-C-T.
Other names: c.1289G>A, p.Ser430Asn (NM_018190.4); short protein forms S430N.
Identifiers: ClinVar variation 969388 (VCV000969388.2), dbSNP rs1410107664, ClinGen allele CA358061381.
Genomic context (GRCh38, chr4:121,843,943, plus strand): 5'-TAGAAATGAAAGCATGTGAAGAATTCTTTTATATTTTTACTCACCTCAGAATCACAGCTG[C>T]TAAAGCTAACAACAGCAGAATTTTTATCCACATCAAGTAAATCTATTGGAACATCACTCT-3'
Protein context (NP_789794.1, residues 420-440): VDKNSAVVSF[Ser430Asn]SCDSESNDNF

ClinVar aggregate classification (germline): Uncertain significance. Review status: criteria provided, multiple submitters, no conflicts (2 of 4 stars). 2 submissions from 2 submitters: Uncertain significance (2). Last evaluated 2019-10-18.

Conditions:
Bardet-Biedl syndrome (BBS). Identifiers: Orphanet 110, MedGen C0752166, MONDO:0015229.

Allele frequency attached by ClinVar (database versions not stated): gnomAD exomes below 0.00001.

Submissions (2):

Labcorp Genetics (formerly Invitae), Labcorp
Classification: Uncertain significance for Bardet-Biedl syndrome. Last evaluated: 2019-10-18. Review status: criteria provided, single submitter. Criteria: Invitae Variant Classification Sherloc (09022015). Collection method: clinical testing. Allele origin: germline.
Comment: This sequence change replaces serine with asparagine at codon 430 of the BBS7 protein (p.Ser430Asn). The serine residue is highly conserved and there is a small physicochemical difference between serine and asparagine. This variant is not present in population databases (ExAC no frequency). This variant has not been reported in the literature in individuals with BBS7-related conditions. Algorithms developed to predict the effect of missense changes on protein structure and function are either unavailable or do not agree on the potential impact of this missense change (SIFT: "Deleterious"; PolyPhen-2: "Benign"; Align-GVGD: "Class C45"). In summary, the available evidence is currently insufficient to determine the role of this variant in disease. Therefore, it has been classified as a Variant of Uncertain Significance.

Breakthrough Genomics
Classification: Uncertain significance. Review status: criteria provided, single submitter. Criteria: ACMG Guidelines, 2015. Collection method: not provided. Allele origin: germline. Inheritance: Autosomal recessive inheritance. Affected: yes.